The following is an entry in ClinVar:

NM_020988.3(GNAO1):c.494C>T (p.Ala165Val)

Gene: GNAO1 (G protein subunit alpha o1; plus strand). Cytogenetic location: 16q13.
Variant type: single nucleotide variant.
Coding change: c.494C>T on transcript NM_020988.3 (MANE Select); coding-DNA position 494, C replaced by T.
Protein change: p.Ala165Val; replaces alanine 165 with valine.
Molecular consequence: missense variant.
Genome position (GRCh38, 1-based): chr16:56,334,758, C>T. VCF-style: chr16-56334758-C-T. GRCh37 (hg19) VCF-style: chr16-56368670-C-T.
Other names: c.494C>T, p.Ala165Val (NM_138736.3); short protein forms A165V.
Identifiers: ClinVar variation 4772451 (VCV004772451.1).
Genomic context (GRCh38, chr16:56,334,758, plus strand): 5'-TCCATAGTCCCCTGTTTGTTGCCATCCTCAGCTACCTGGACAGCCTGGATCGGATTGGGG[C>T]CGCCGACTACCAGCCCACCGAGCAGGACATCCTCCGAACCAGGGTCAAAACCACTGGCAT-3'
Protein context (NP_066268.1, residues 155-175): YYLDSLDRIG[Ala165Val]ADYQPTEQDI

ClinVar aggregate classification (germline): Uncertain significance (1 of 4 stars; one submission).

Conditions:
Early-infantile DEE. Also called: Early infantile epileptic encephalopathy with suppression bursts; Early infantile epileptic encephalopathy; Ohtahara syndrome. Identifiers: Orphanet 1934, MedGen C0393706, MONDO:0800491.

Submission:

Labcorp Genetics (formerly Invitae), Labcorp
Classification: Uncertain significance for Early-infantile DEE. Last evaluated: 2025-05-21. Review status: criteria provided, single submitter. Criteria: Invitae Variant Classification Sherloc (09022015). Collection method: clinical testing. Allele origin: germline.
Comment: This sequence change replaces alanine, which is neutral and non-polar, with valine, which is neutral and non-polar, at codon 165 of the GNAO1 protein (p.Ala165Val). This variant is not present in population databases (gnomAD no frequency). This variant has not been reported in the literature in individuals affected with GNAO1-related conditions. Invitae Evidence Modeling of protein sequence and biophysical properties (such as structural, functional, and spatial information, amino acid conservation, physicochemical variation, residue mobility, and thermodynamic stability) has been performed for this missense variant. However, the output from this modeling did not meet the statistical confidence thresholds required to predict the impact of this variant on GNAO1 protein function. In summary, the available evidence is currently insufficient to determine the role of this variant in disease. Therefore, it has been classified as a Variant of Uncertain Significance.